The following is an entry in ClinVar:

ClinVar aggregate classification (germline): Conflicting classifications of pathogenicity. Review status: criteria provided, conflicting classifications (1 of 4 stars). 6 submissions from 6 submitters: Uncertain significance (1); Benign (1); Likely benign (4). Last evaluated 2025-07-29.

Conditions:
Papillary renal cell carcinoma type 1 (RCCP1). Also called: RENAL CELL CARCINOMA, PAPILLARY, 1, SOMATIC; Renal adenocarcinoma; Renal cell carcinoma 1; Renal cell carcinoma, somatic. Identifiers: Orphanet 47044, MedGen C1336839, OMIM 605074, HP:0011797.
Renal cell carcinoma. Identifiers: Orphanet 217071, MedGen C0007134, MeSH D002292, MONDO:0005086, HP:0005584.
Hereditary cancer-predisposing syndrome. Also called: Tumor predisposition; Hereditary Cancer Syndrome; Hereditary neoplastic syndrome; Neoplastic Syndromes, Hereditary. Identifiers: Orphanet 140162, MedGen C0027672, MeSH D009386, MONDO:0015356.

Allele frequency attached by ClinVar (database versions not stated): ExAC 0.00001; gnomAD 0.00001 and 0.00002; gnomAD exomes 0.00001; 1000 Genomes Project 30x 0.00016; 1000 Genomes Project 0.00020.
gnomAD v4.1: 19 of 1,613,560 alleles (0.0012%); highest among the groups gnomAD compares: South Asian, 0.0033%; no homozygotes.

Submissions (6):

Labcorp Genetics (formerly Invitae), Labcorp
Classification: Likely benign for Renal cell carcinoma. Last evaluated: 2025-07-29. Review status: criteria provided, single submitter. Criteria: Invitae Variant Classification Sherloc (09022015). Collection method: clinical testing. Allele origin: germline.

Center for Genomic Medicine, Rigshospitalet, Copenhagen University Hospital
Classification: Likely benign. Last evaluated: 2025-03-04. Review status: criteria provided, single submitter. Criteria: ACMG Guidelines, 2015. Collection method: clinical testing. Allele origin: germline.

Quest Diagnostics Nichols Institute San Juan Capistrano
Classification: Likely benign. Last evaluated: 2024-12-27. Review status: criteria provided, single submitter. Criteria: Quest Diagnostics criteria. Collection method: clinical testing. Allele origin: unknown.

Myriad Genetics, Inc.
Classification: Benign for Papillary renal cell carcinoma type 1. Last evaluated: 2024-11-12. Review status: criteria provided, single submitter. Criteria: Myriad Autosomal Dominant, Autosomal Recessive and X-Linked Classification Criteria (2023). Collection method: clinical testing. Allele origin: unknown.
Comment: This variant is considered benign. This variant is a silent/synonymous amino acid change and it is not expected to impact splicing.

Ambry Genetics
Classification: Likely benign for Hereditary cancer-predisposing syndrome. Last evaluated: 2021-07-09. Review status: criteria provided, single submitter. Criteria: Ambry Variant Classification Scheme 2023. Collection method: clinical testing. Allele origin: germline.

Illumina Laboratory Services, Illumina
Classification: Uncertain significance for Papillary renal cell carcinoma type 1. Last evaluated: 2018-01-12. Review status: criteria provided, single submitter. Criteria: ICSL Variant Classification Criteria 13 December 2019. Collection method: clinical testing. Allele origin: germline.

NM_000245.4(MET):c.2673C>T (p.Ala891=)

Gene: MET (MET proto-oncogene, receptor tyrosine kinase; plus strand). Cytogenetic location: 7q31.2.
Variant type: single nucleotide variant.
Coding change: c.2673C>T on transcript NM_000245.4 (MANE Select); coding-DNA position 2673, C replaced by T.
Protein change: p.Ala891=; no amino-acid change (alanine 891 retained).
Molecular consequence: synonymous variant.
Genome position (GRCh38, 1-based): chr7:116,769,734, C>T. VCF-style: chr7-116769734-C-T. GRCh37 (hg19) VCF-style: chr7-116409788-C-T.
Other names: c.2727C>T (NM_001127500.2); c.2727C>T, p.Ala909= (NM_001127500.3); c.2673C>T, p.Ala891= (NM_001324401.3); c.1383C>T, p.Ala461= (NM_001324402.2).
Identifiers: ClinVar variation 909949 (VCV000909949.18), dbSNP rs561131509, ClinGen allele CA4448546.
Genomic context (GRCh38, chr7:116,769,734, plus strand): 5'-AGGTGAAGTGTTAAAAGTTGGAAATAAGAGCTGTGAGAATATACACTTACATTCTGAAGC[C>T]GTTTTATGCACGGTCCCCAATGACCTGCTGAAATTGAACAGCGAGCTAAATATAGAGGTG-3'
Protein context (NP_000236.2, residues 881-901): SCENIHLHSE[Ala891=]VLCTVPNDLL